The following is an entry in ClinVar:

ClinVar aggregate classification (germline): Likely benign. Review status: criteria provided, multiple submitters, no conflicts (2 of 4 stars). 2 submissions from 2 submitters: Likely benign (2). Last evaluated 2018-06-14.

Allele frequency attached by ClinVar (database versions not stated): TOPMed 0.03478; 1000 Genomes Project 30x 0.02795; 1000 Genomes Project 0.02855.
gnomAD v4.1: 32,150 of 974,908 alleles (3.3%); highest among the groups gnomAD compares: African/African-American, 4.2%; 652 homozygotes.

Submissions (2):

GeneDx
Classification: Likely benign. Last evaluated: 2018-06-14. Review status: criteria provided, single submitter. Criteria: GeneDx Variant Classification (06012015). Collection method: clinical testing. Allele origin: germline. Affected: yes.
Comment: This variant is considered likely benign or benign based on one or more of the following criteria: it is a conservative change, it occurs at a poorly conserved position in the protein, it is predicted to be benign by multiple in silico algorithms, and/or has population frequency not consistent with disease.

Breakthrough Genomics
Classification: Likely benign. Review status: criteria provided, single submitter. Criteria: ACMG Guidelines, 2015. Collection method: not provided. Allele origin: germline. Inheritance: Autosomal recessive inheritance. Affected: yes.

NM_014384.3(ACAD8):c.109+133G>C

Gene: ACAD8 (acyl-CoA dehydrogenase family member 8; plus strand). Cytogenetic location: 11q25.
Variant type: single nucleotide variant.
Coding change: c.109+133G>C on transcript NM_014384.3 (MANE Select); 133 bases into the intron after coding-DNA position 109, G replaced by C.
Molecular consequence: intron variant.
Genome position (GRCh38, 1-based): chr11:134,253,842, G>C. VCF-style: chr11-134253842-G-C. GRCh37 (hg19) VCF-style: chr11-134123736-G-C.
Identifiers: ClinVar variation 673122 (VCV000673122.2), dbSNP rs71486997, ClinGen allele CA231269317.